The following is an entry in ClinVar:

ClinVar aggregate classification (germline): Pathogenic. Review status: criteria provided, multiple submitters, no conflicts (2 of 4 stars). 7 submissions from 7 submitters: Pathogenic (5). 2 of the submissions do not count toward it. Last evaluated 2024-06-22.

Conditions:
KCNQ4-related disorder. Also called: KCNQ4-related condition.
Autosomal dominant nonsyndromic hearing loss 2A. Also called: Autosomal dominant nonsyndromic deafness 2A; DFNA2 Nonsyndromic Hearing Loss; Deafness, autosomal dominant 2A. Identifiers: Orphanet 90635, MedGen C2677637, MONDO:0010817, OMIM 600101.

Allele frequency attached by ClinVar (database versions not stated): gnomAD exomes below 0.00001.
gnomAD v4.1: 2 of 1,613,592 alleles (0.00012%); highest among the groups gnomAD compares: Non-Finnish European, 0.00017%; no homozygotes.

Submissions (7):

Labcorp Genetics (formerly Invitae), Labcorp
Classification: Pathogenic. Last evaluated: 2024-06-22. Review status: criteria provided, single submitter. Criteria: Invitae Variant Classification Sherloc (09022015). Collection method: clinical testing. Allele origin: germline.
Comment: This sequence change replaces leucine, which is neutral and non-polar, with serine, which is neutral and polar, at codon 281 of the KCNQ4 protein (p.Leu281Ser). This variant is not present in population databases (gnomAD no frequency). This missense change has been observed in individual(s) with autosomal dominant deafness (PMID: 10571947). It has also been observed to segregate with disease in related individuals. ClinVar contains an entry for this variant (Variation ID: 6246). Advanced modeling of protein sequence and biophysical properties (such as structural, functional, and spatial information, amino acid conservation, physicochemical variation, residue mobility, and thermodynamic stability) performed at Invitae indicates that this missense variant is expected to disrupt KCNQ4 protein function with a positive predictive value of 80%. Experimental studies have shown that this missense change affects KCNQ4 function (PMID: 23750663). For these reasons, this variant has been classified as Pathogenic.

Genome-Nilou Lab
Classification: Pathogenic for Autosomal dominant nonsyndromic hearing loss 2A. Last evaluated: 2023-04-11. Review status: criteria provided, single submitter. Criteria: ACMG Guidelines, 2015. Collection method: clinical testing. Allele origin: germline. Affected: no.

Blueprint Genetics
Classification: Pathogenic for KCNQ4-related disorders. Last evaluated: 2022-03-25. Review status: criteria provided, single submitter. Criteria: ACMG Guidelines, 2015. Collection method: clinical testing. Allele origin: germline. Affected: yes. Observed: 1 variant allele.

GeneDx
Classification: Pathogenic. Last evaluated: 2020-01-17. Review status: criteria provided, single submitter. Criteria: GeneDx Variant Classification Process June 2021. Collection method: clinical testing. Allele origin: germline. Affected: yes.
Comment: Published functional studies demonstrate the L281S mutation leads to non-functional channels and improper trafficking of mutant channels to the cell surface with a dominant negative effect on WT channels (Kim et al., 2011; Gao et al., 2013); Not observed in large population cohorts (Lek et al., 2016); In silico analysis, which includes protein predictors and evolutionary conservation, supports a deleterious effect; This variant is associated with the following publications: (PMID: 10571947, 23776385, 18797286, 12408061, 26036578, 24616153, 11252765, 28802383, 25116015, 23399560, 21951272, 17033161, 23750663, 20966080, 22785243)

Knight Diagnostic Laboratories, Oregon Health and Sciences University
Classification: Pathogenic for Deafness, autosomal dominant 2A. Last evaluated: 2018-12-05. Review status: criteria provided, single submitter. Criteria: ACMG Guidelines, 2015. Collection method: clinical testing. Allele origin: germline. Observed: 1 variant allele.

ClinVar Staff, National Center for Biotechnology Information (NCBI)
Classification: Pathogenic for Autosomal dominant nonsyndromic hearing loss 2A. Last evaluated: 2015-08-20. Review status: no assertion criteria provided. Collection method: literature only. Allele origin: germline. Affected: yes. Not counted in ClinVar's aggregate classification.
Comment: This variant used to be reported in GeneReviews NBK1209.

OMIM
Classification: Pathogenic for DEAFNESS, AUTOSOMAL DOMINANT 2A. Last evaluated: 2011-01-14. Review status: no assertion criteria provided. Collection method: literature only. Allele origin: germline. Not counted in ClinVar's aggregate classification.

Literature cited by the submitters: PubMed 10571947 (cited by Labcorp Genetics (formerly Invitae), Labcorp and OMIM); PubMed 23750663 (cited by Labcorp Genetics (formerly Invitae), Labcorp); PubMed 26036578 (cited by ClinVar Staff, National Center for Biotechnology Information (NCBI)); PubMed 20301388 (cited by ClinVar Staff, National Center for Biotechnology Information (NCBI)); PubMed 20966080 (cited by OMIM).

NM_004700.4(KCNQ4):c.842T>C (p.Leu281Ser)

Gene: KCNQ4 (potassium voltage-gated channel subfamily Q member 4; plus strand). Cytogenetic location: 1p34.2.
Variant type: single nucleotide variant.
Coding change: c.842T>C on transcript NM_004700.4 (MANE Select); coding-DNA position 842, T replaced by C.
Protein change: p.Leu281Ser; replaces leucine 281 with serine.
Molecular consequence: missense variant.
Genome position (GRCh38, 1-based): chr1:40,819,882, T>C. VCF-style: chr1-40819882-T-C. GRCh37 (hg19) VCF-style: chr1-41285554-T-C.
Other names: c.842T>C, p.Leu281Ser (NM_172163.3); short protein forms L281S.
Identifiers: ClinVar variation 6246 (VCV000006246.13), dbSNP rs80358278, ClinGen allele CA340537.